The following is an entry in ClinVar:

ClinVar aggregate classification (germline): Likely benign (1 of 4 stars; one submission).

Allele frequency attached by ClinVar (database versions not stated): 1000 Genomes Project 30x 0.00062; 1000 Genomes Project 0.00080; ESP Exome Variant Server 0.00231; gnomAD 0.00253; TOPMed 0.00276.
gnomAD v4.1: 4,314 of 1,614,198 alleles (0.27%); highest among the groups gnomAD compares: Middle Eastern, 0.73%; 11 homozygotes.

Submission:

CeGaT Center for Human Genetics Tuebingen
Classification: Likely benign. Last evaluated: 2023-10-01. Review status: criteria provided, single submitter. Criteria: CeGaT Center For Human Genetics Tuebingen Variant Classification Criteria Version 2. Collection method: clinical testing. Allele origin: germline. Affected: yes. Observed: 2 variant alleles.
Comment: PCDHGA10: BP4, BP7, BS2

NM_018913.3(PCDHGA10):c.2109G>C (p.Ala703=)

Genes: PCDHG@ (protocadherin gamma cluster; plus strand), PCDHGA1 (protocadherin gamma subfamily A, 1; plus strand), PCDHGA10 (protocadherin gamma subfamily A, 10; plus strand), PCDHGA2 (protocadherin gamma subfamily A, 2; plus strand), PCDHGA3 (protocadherin gamma subfamily A, 3; plus strand) and 12 more. Cytogenetic location: 5q31.3.
Variant type: single nucleotide variant.
Coding change: c.2109G>C on transcript NM_018913.3 (MANE Select); coding-DNA position 2109, G replaced by C.
Protein change: p.Ala703=; no amino-acid change (alanine 703 retained).
Molecular consequence: synonymous variant. On other transcripts: intron variant (15).
Genome position (GRCh38, 1-based): chr5:141,415,284, G>C. VCF-style: chr5-141415284-G-C. GRCh37 (hg19) VCF-style: chr5-140794851-G-C.
Other names: c.2109G>C, p.Ala703= (NM_032090.2); c.2422-79523G>C (NM_018912.3); c.2424+73889G>C (NM_018915.4); c.2424+68827G>C (NM_018916.4); c.2409+62615G>C (NM_018922.3); c.2514+57663G>C (NM_018917.4); c.2421+52728G>C (NM_018923.3); c.2421+48533G>C (NM_018918.3); and 8 more.
Identifiers: ClinVar variation 2655862 (VCV002655862.24), dbSNP rs186109113, ClinGen allele CA3475250.
Genomic context (GRCh38, chr5:141,415,284, plus strand): 5'-GTCTCCAGCTAACTCTGAAACCTCAGACCTCACTCTGTACCTGGTGGTAGCGGTGGCCGC[G>C]GTCTCCTGCGTCTTCCTGGCCTTCGTCATCGTGCTGCTGGCGCACAGGCTGCGGCGCTGG-3'
Protein context (NP_061736.1, residues 693-713): LTLYLVVAVA[Ala703=]VSCVFLAFVI